The following is an entry in ClinVar:

NM_144991.3(TSPEAR):c.80C>G (p.Thr27Arg)

Gene: TSPEAR (thrombospondin type laminin G domain and EAR repeats; minus strand). Cytogenetic location: 21q22.3.
Variant type: single nucleotide variant.
Coding change: c.80C>G on transcript NM_144991.3 (MANE Select); coding-DNA position 80, C replaced by G.
Protein change: p.Thr27Arg; replaces threonine 27 with arginine.
Molecular consequence: missense variant. On other transcripts: 5 prime UTR variant (1).
Genome position (GRCh38, 1-based): chr21:44,711,435, G>C on the plus strand (C>G on the coding strand, the complement: TSPEAR is on the minus strand). VCF-style: chr21-44711435-G-C. GRCh37 (hg19) VCF-style: chr21-46131350-G-C.
Other names: c.-187C>G (NM_001272037.2); short protein forms T27R.
Identifiers: ClinVar variation 2501492 (VCV002501492.1), dbSNP rs2517757957, ClinGen allele CA410445535.

ClinVar aggregate classification (germline): Uncertain significance (1 of 4 stars; one submission).

Submission:

GeneDx
Classification: Uncertain significance. Last evaluated: 2022-11-04. Review status: criteria provided, single submitter. Criteria: GeneDx Variant Classification Process June 2021. Collection method: clinical testing. Allele origin: germline. Affected: yes.
Comment: Not observed at significant frequency in large population cohorts (gnomAD); In silico analysis supports that this missense variant does not alter protein structure/function; Has not been previously published as pathogenic or benign to our knowledge